The following is an entry in ClinVar:

ClinVar aggregate classification (germline): Uncertain significance (1 of 4 stars; one submission).

Submission:

Labcorp Genetics (formerly Invitae), Labcorp
Classification: Uncertain significance. Last evaluated: 2023-05-05. Review status: criteria provided, single submitter. Criteria: Invitae Variant Classification Sherloc (09022015). Collection method: clinical testing. Allele origin: germline.
Comment: In summary, the available evidence is currently insufficient to determine the role of this variant in disease. Therefore, it has been classified as a Variant of Uncertain Significance. Advanced modeling of protein sequence and biophysical properties (such as structural, functional, and spatial information, amino acid conservation, physicochemical variation, residue mobility, and thermodynamic stability) performed at Invitae indicates that this missense variant is not expected to disrupt ALPK3 protein function. This variant has not been reported in the literature in individuals affected with ALPK3-related conditions. This variant is not present in population databases (gnomAD no frequency). This sequence change replaces proline, which is neutral and non-polar, with glutamine, which is neutral and polar, at codon 1037 of the ALPK3 protein (p.Pro1037Gln).

NM_020778.5(ALPK3):c.2504C>A (p.Pro835Gln)

Gene: ALPK3 (alpha kinase 3; plus strand). Cytogenetic location: 15q25.3.
Variant type: single nucleotide variant.
Coding change: c.2504C>A on transcript NM_020778.5 (MANE Select); coding-DNA position 2504, C replaced by A.
Protein change: p.Pro835Gln; replaces proline 835 with glutamine.
Molecular consequence: missense variant.
Genome position (GRCh38, 1-based): chr15:84,857,242, C>A. VCF-style: chr15-84857242-C-A. GRCh37 (hg19) VCF-style: chr15-85400473-C-A.
Other names: short protein forms P835Q.
Identifiers: ClinVar variation 2880228 (VCV002880228.3), dbSNP rs529373050, ClinGen allele CA393357387.
Genomic context (GRCh38, chr15:84,857,242, plus strand): 5'-GAGAGAGATGCCGAGGGCCACAGTCATCAGGCCCAGTCGAGGCCAAGCAGGAGGACAGCC[C>A]GTTCCAGTGCCCCAAGGAGGAGCGGCCAGGGGGAGTGCCGTGTATGGATCAGGGTGGCTG-3'
Protein context (NP_065829.4, residues 825-845): GPVEAKQEDS[Pro835Gln]FQCPKEERPG